The following is an entry in ClinVar:

NM_000257.4(MYH7):c.345+8C>A

Gene: MYH7 (myosin heavy chain 7; minus strand). Cytogenetic location: 14q11.2.
Variant type: single nucleotide variant.
Coding change: c.345+8C>A on transcript NM_000257.4 (MANE Select); 8 bases into the intron after coding-DNA position 345, C replaced by A.
Molecular consequence: intron variant.
Genome position (GRCh38, 1-based): chr14:23,433,076, G>T on the plus strand (C>A on the coding strand, the complement: MYH7 is on the minus strand). VCF-style: chr14-23433076-G-T. GRCh37 (hg19) VCF-style: chr14-23902285-G-T.
Other names: c.345+8C>A (NM_001407004.1).
Identifiers: ClinVar variation 4085377 (VCV004085377.8).

ClinVar aggregate classification (germline): Uncertain significance (1 of 4 stars; one submission).

Submission:

CeGaT Center for Human Genetics Tuebingen
Classification: Uncertain significance. Last evaluated: 2025-07-01. Review status: criteria provided, single submitter. Criteria: CeGaT Center For Human Genetics Tuebingen Variant Classification Criteria Version 2. Collection method: clinical testing. Allele origin: germline. Affected: yes. Observed: 1 variant allele.
Comment: MYH7: PM2, BP4